The following is an entry in ClinVar:

NM_001376.5(DYNC1H1):c.1520T>C (p.Val507Ala)

Gene: DYNC1H1 (dynein cytoplasmic 1 heavy chain 1; plus strand). Cytogenetic location: 14q32.31.
Variant type: single nucleotide variant.
Coding change: c.1520T>C on transcript NM_001376.5 (MANE Select); coding-DNA position 1520, T replaced by C.
Protein change: p.Val507Ala; replaces valine 507 with alanine.
Molecular consequence: missense variant.
Genome position (GRCh38, 1-based): chr14:101,985,745, T>C. VCF-style: chr14-101985745-T-C. GRCh37 (hg19) VCF-style: chr14-102452082-T-C.
Other names: short protein forms V507A.
Identifiers: ClinVar variation 3364981 (VCV003364981.2).
Genomic context (GRCh38, chr14:101,985,745, plus strand): 5'-AGGTCACGGCAGTTGCACAACAGAATCAAGGAGAGGTCCCTGAACCCCAAGATATGAAAG[T>C]GGCTGAGGTTCTCTTTGATGCTGCAGATGCAAATGCCATTGAGGAAGTAAACCTTGCTTA-3'
Protein context (NP_001367.2, residues 497-517): GEVPEPQDMK[Val507Ala]AEVLFDAADA

ClinVar aggregate classification (germline): Uncertain significance. Review status: criteria provided, multiple submitters, no conflicts (2 of 4 stars). 2 submissions from 2 submitters: Uncertain significance (2). Last evaluated 2025-12-30.

Conditions:
Inborn genetic diseases. Identifiers: MedGen C0950123, MeSH D030342.

Submissions (2):

Ambry Genetics
Classification: Uncertain significance for Inborn genetic diseases. Last evaluated: 2025-12-30. Review status: criteria provided, single submitter. Criteria: Ambry Variant Classification Scheme 2023. Collection method: clinical testing. Allele origin: germline.

GeneDx
Classification: Uncertain significance. Last evaluated: 2024-04-11. Review status: criteria provided, single submitter. Criteria: GeneDx Variant Classification Process June 2021. Collection method: clinical testing. Allele origin: germline. Affected: yes.
Comment: Not observed in large population cohorts (gnomAD); In silico analysis supports that this missense variant does not alter protein structure/function; Has not been previously published as pathogenic or benign to our knowledge; This variant is associated with the following publications: (PMID: 25512093, 25609763, 26100331)